The following is an entry in ClinVar:

NM_014975.3(MAST1):c.2331C>G (p.Ser777=)

Genes: MAST1 (microtubule associated serine/threonine kinase 1; plus strand), LOC112543452 (Sharpr-MPRA regulatory region 6054; plus strand). Cytogenetic location: 19p13.13.
Variant type: single nucleotide variant.
Coding change: c.2331C>G on transcript NM_014975.3 (MANE Select); coding-DNA position 2331, C replaced by G.
Protein change: p.Ser777=; no amino-acid change (serine 777 retained).
Molecular consequence: synonymous variant.
Genome position (GRCh38, 1-based): chr19:12,867,742, C>G. VCF-style: chr19-12867742-C-G. GRCh37 (hg19) VCF-style: chr19-12978556-C-G.
Other names: c.2331C>G (NM_014975.2).
Identifiers: ClinVar variation 2126054 (VCV002126054.6), dbSNP rs202159363, ClinGen allele CA9233120.

ClinVar aggregate classification (germline): Benign. Review status: criteria provided, single submitter (1 of 4 stars). 2 submissions from 2 submitters: Benign (1). 1 of the submissions does not count toward it. Last evaluated 2026-01-23.

Conditions:
MAST1-related disorder. Also called: MAST1-related condition.

Allele frequency attached by ClinVar (database versions not stated): ESP Exome Variant Server 0.00943; 1000 Genomes Project 0.01178; TOPMed 0.01077; 1000 Genomes Project 30x 0.01374.
gnomAD v4.1: 2,804 of 1,532,550 alleles (0.18%); highest among the groups gnomAD compares: African/African-American, 3.5%; 46 homozygotes.

Submissions (2):

Labcorp Genetics (formerly Invitae), Labcorp
Classification: Benign. Last evaluated: 2026-01-23. Review status: criteria provided, single submitter. Criteria: Invitae Variant Classification Sherloc (09022015). Collection method: clinical testing. Allele origin: germline.

PreventionGenetics, part of Exact Sciences
Classification: Benign for MAST1-related condition. Last evaluated: 2019-08-20. Review status: no assertion criteria provided. Collection method: clinical testing. Allele origin: germline. Not counted in ClinVar's aggregate classification.
Comment: This variant is classified as benign based on ACMG/AMP sequence variant interpretation guidelines (Richards et al. 2015 PMID: 25741868, with internal and published modifications).